The following is an entry in ClinVar:

NM_206933.4(USH2A):c.1655G>C (p.Cys552Ser)

Gene: USH2A (usherin; minus strand). Cytogenetic location: 1q41.
Variant type: single nucleotide variant.
Coding change: c.1655G>C on transcript NM_206933.4 (MANE Select); coding-DNA position 1655, G replaced by C.
Protein change: p.Cys552Ser; replaces cysteine 552 with serine.
Molecular consequence: missense variant.
Genome position (GRCh38, 1-based): chr1:216,292,360, C>G on the plus strand (G>C on the coding strand, the complement: USH2A is on the minus strand). VCF-style: chr1-216292360-C-G. GRCh37 (hg19) VCF-style: chr1-216465702-C-G.
Other names: c.1655G>C, p.Cys552Ser (NM_007123.6); short protein forms C552S.
Identifiers: ClinVar variation 2202980 (VCV002202980.7), dbSNP rs2528257076, ClinGen allele CA344903578.

ClinVar aggregate classification (germline): Conflicting classifications of pathogenicity. Review status: criteria provided, conflicting classifications (1 of 4 stars). 2 submissions from 2 submitters: Likely pathogenic (1); Uncertain significance (1). Last evaluated 2025-10-27.

Submissions (2):

Women's Health and Genetics/Laboratory Corporation of America, LabCorp
Classification: Uncertain significance. Last evaluated: 2025-10-27. Review status: criteria provided, single submitter. Criteria: LabCorp Variant Classification Summary - May 2015. Collection method: clinical testing. Allele origin: germline.
Comment: Variant summary: USH2A c.1655G>C (p.Cys552Ser) results in a non-conservative amino acid change located in the Laminin-type EGF domain (IPR002049) of the encoded protein sequence. Algorithms developed to predict the effect of missense changes on protein structure and function all suggest that this variant is likely to be disruptive. The variant was absent in 251042 control chromosomes. The available data on variant occurrences in the general population are insufficient to allow any conclusion about variant significance. c.1655G>C has been reported in the compound heterozygous state in the literature in at least 1 individual affected with Usher Syndrome (example: Lenarduzzi_2015). These data do not allow any conclusion about variant significance. To our knowledge, no experimental evidence demonstrating an impact on protein function has been reported. The following publication has been ascertained in the context of this evaluation (PMID: 25575603). ClinVar contains an entry for this variant (Variation ID: 2202980). Based on the evidence outlined above, the variant was classified as uncertain significance.

Labcorp Genetics (formerly Invitae), Labcorp
Classification: Likely pathogenic. Last evaluated: 2022-08-30. Review status: criteria provided, single submitter. Criteria: Invitae Variant Classification Sherloc (09022015). Collection method: clinical testing. Allele origin: germline.
Comment: This variant is not present in population databases (gnomAD no frequency). In summary, the currently available evidence indicates that the variant is pathogenic, but additional data are needed to prove that conclusively. Therefore, this variant has been classified as Likely Pathogenic. This variant disrupts the p.Cys552 amino acid residue in USH2A. Other variant(s) that disrupt this residue have been observed in individuals with USH2A-related conditions (PMID: 32675063), which suggests that this may be a clinically significant amino acid residue. Algorithms developed to predict the effect of missense changes on protein structure and function (SIFT, PolyPhen-2, Align-GVGD) all suggest that this variant is likely to be disruptive. This missense change has been observed in individual(s) with Usher syndrome (PMID: 25575603). In at least one individual the data is consistent with being in trans (on the opposite chromosome) from a pathogenic variant. This sequence change replaces cysteine, which is neutral and slightly polar, with serine, which is neutral and polar, at codon 552 of the USH2A protein (p.Cys552Ser).

Literature cited by the submitters: PubMed 25575603 (cited by Women's Health and Genetics/Laboratory Corporation of America, LabCorp and Labcorp Genetics (formerly Invitae), Labcorp); PubMed 32675063 (cited by Labcorp Genetics (formerly Invitae), Labcorp).